The following is an entry in ClinVar:

NM_005732.4(RAD50):c.2635A>G (p.Thr879Ala)

Gene: RAD50 (RAD50 double strand break repair protein; plus strand). Cytogenetic location: 5q31.1.
Variant type: single nucleotide variant.
Coding change: c.2635A>G on transcript NM_005732.4 (MANE Select); coding-DNA position 2635, A replaced by G.
Protein change: p.Thr879Ala; replaces threonine 879 with alanine.
Molecular consequence: missense variant.
Genome position (GRCh38, 1-based): chr5:132,604,916, A>G. VCF-style: chr5-132604916-A-G. GRCh37 (hg19) VCF-style: chr5-131940608-A-G.
Other names: c.2635A>G (NM_005732.3); short protein forms T879A.
Identifiers: ClinVar variation 1037846 (VCV001037846.10), dbSNP rs1750956884, ClinGen allele CA360956664.

ClinVar aggregate classification (germline): Uncertain significance. Review status: criteria provided, multiple submitters, no conflicts (2 of 4 stars). 2 submissions from 2 submitters: Uncertain significance (2). Last evaluated 2026-02-17.

Conditions:
Hereditary cancer-predisposing syndrome. Also called: Hereditary Cancer Syndrome; Neoplastic Syndromes, Hereditary; Tumor predisposition; Hereditary neoplastic syndrome. Identifiers: Orphanet 140162, MedGen C0027672, MeSH D009386, MONDO:0015356.

Allele frequency attached by ClinVar (database versions not stated): gnomAD exomes below 0.00001; TOPMed below 0.00001.
gnomAD v4.1: 1 of 1,613,894 alleles (0.000062%); highest among the groups gnomAD compares: South Asian, 0.0011%; no homozygotes.

Submissions (2):

Ambry Genetics
Classification: Uncertain significance for Hereditary cancer-predisposing syndrome. Last evaluated: 2026-02-17. Review status: criteria provided, single submitter. Criteria: Ambry Variant Classification Scheme 2023. Collection method: clinical testing. Allele origin: germline.
Comment: The p.T879A variant (also known as c.2635A>G), located in coding exon 16 of the RAD50 gene, results from an A to G substitution at nucleotide position 2635. The threonine at codon 879 is replaced by alanine, an amino acid with similar properties. This amino acid position is conserved. In addition, this alteration is predicted to be tolerated by in silico analysis. Based on the available evidence, the clinical significance of this variant remains unclear.

Labcorp Genetics (formerly Invitae), Labcorp
Classification: Uncertain significance for Hereditary cancer-predisposing syndrome. Last evaluated: 2022-10-31. Review status: criteria provided, single submitter. Criteria: Invitae Variant Classification Sherloc (09022015). Collection method: clinical testing. Allele origin: germline.
Comment: ClinVar contains an entry for this variant (Variation ID: 1037846). In summary, the available evidence is currently insufficient to determine the role of this variant in disease. Therefore, it has been classified as a Variant of Uncertain Significance. Advanced modeling of protein sequence and biophysical properties (such as structural, functional, and spatial information, amino acid conservation, physicochemical variation, residue mobility, and thermodynamic stability) performed at Invitae indicates that this missense variant is not expected to disrupt RAD50 protein function. This variant has not been reported in the literature in individuals affected with RAD50-related conditions. This variant is not present in population databases (gnomAD no frequency). This sequence change replaces threonine, which is neutral and polar, with alanine, which is neutral and non-polar, at codon 879 of the RAD50 protein (p.Thr879Ala).